The following is an entry in ClinVar:

NM_001844.5(COL2A1):c.3115A>G (p.Ser1039Gly)

Gene: COL2A1 (collagen type II alpha 1 chain; minus strand). Cytogenetic location: 12q13.11.
Variant type: single nucleotide variant.
Coding change: c.3115A>G on transcript NM_001844.5 (MANE Select); coding-DNA position 3115, A replaced by G.
Protein change: p.Ser1039Gly; replaces serine 1039 with glycine.
Molecular consequence: missense variant.
Genome position (GRCh38, 1-based): chr12:47,977,650, T>C on the plus strand (A>G on the coding strand, the complement: COL2A1 is on the minus strand). VCF-style: chr12-47977650-T-C. GRCh37 (hg19) VCF-style: chr12-48371433-T-C.
Other names: c.2908A>G, p.Ser970Gly (NM_033150.3); short protein forms S1039G, S970G.
Identifiers: ClinVar variation 1053996 (VCV001053996.14), dbSNP rs780375782, ClinGen allele CA384540591.

ClinVar aggregate classification (germline): Conflicting classifications of pathogenicity. Review status: criteria provided, conflicting classifications (1 of 4 stars). 3 submissions from 3 submitters: Uncertain significance (2); Likely benign (1). Last evaluated 2026-09-30.

Conditions:
Inborn genetic diseases. Identifiers: MedGen C0950123, MeSH D030342.

Allele frequency attached by ClinVar (database versions not stated): gnomAD 0.00002; TOPMed 0.00001.
gnomAD v4.1: 15 of 1,613,888 alleles (0.00093%); highest among the groups gnomAD compares: Admixed American, 0.023%; no homozygotes.

Submissions (3):

GeneDx
Classification: Uncertain significance. Last evaluated: 2026-09-30. Review status: criteria provided, single submitter. Criteria: GeneDx Variant Classification Process June 2021. Collection method: clinical testing. Allele origin: germline.
Comment: In silico analysis suggests that this missense variant does not alter protein structure/function; Occurs in the triple helical domain at the X position in the canonical Gly-X-Y repeat; although this variant may have an effect on normal protein folding and function, missense substitution at the X position is not a common mechanism of disease; Has not been previously published as pathogenic or benign to our knowledge

Labcorp Genetics (formerly Invitae), Labcorp
Classification: Likely benign. Last evaluated: 2025-10-27. Review status: criteria provided, single submitter. Criteria: Invitae Variant Classification Sherloc (09022015). Collection method: clinical testing. Allele origin: germline.

Ambry Genetics
Classification: Uncertain significance for Inborn genetic diseases. Last evaluated: 2021-08-23. Review status: criteria provided, single submitter. Criteria: Ambry Variant Classification Scheme 2023. Collection method: clinical testing. Allele origin: germline.